The following is an entry in ClinVar:

ClinVar aggregate classification (germline): Uncertain significance (1 of 4 stars; one submission).

gnomAD v4.1: 2 of 1,608,798 alleles (0.00012%); highest among the groups gnomAD compares: Admixed American, 0.0017%; no homozygotes.

Submission:

Women's Health and Genetics/Laboratory Corporation of America, LabCorp
Classification: Uncertain significance. Last evaluated: 2026-06-10. Review status: criteria provided, single submitter. Criteria: LabCorp Variant Classification Summary - May 2015. Collection method: clinical testing. Allele origin: germline.
Comment: Variant summary: PSEN1 c.87+6G>A alters a conserved nucleotide located close to a canonical splice site and therefore could affect mRNA splicing, leading to a significantly altered protein sequence. Several computational tools predict a significant impact on normal splicing: Three predict the variant no significant impact on splicing. Two predict the variant weakens a 5' donor site. Two predict the variant creates a 5' donor site. However, these predictions have yet to be confirmed by functional studies. The variant allele was found at a frequency of 4e-06 in 249666 control chromosomes. The available data on variant occurrences in the general population are insufficient to allow any conclusion about variant significance. To our knowledge, no occurrence of c.87+6G>A in individuals affected with PSEN1-related conditions and no experimental evidence demonstrating its impact on protein function have been reported. No submitters have cited clinical-significance assessments for this variant to ClinVar. Based on the evidence outlined above, the variant was classified as uncertain significance.

NM_000021.4(PSEN1):c.87+6G>A

Gene: PSEN1 (presenilin 1; plus strand). Cytogenetic location: 14q24.2.
Variant type: single nucleotide variant.
Coding change: c.87+6G>A on transcript NM_000021.4 (MANE Select); 6 bases into the intron after coding-DNA position 87, G replaced by A.
Molecular consequence: intron variant.
Genome position (GRCh38, 1-based): chr14:73,148,112, G>A. VCF-style: chr14-73148112-G-A. GRCh37 (hg19) VCF-style: chr14-73614820-G-A.
Other names: c.75+18G>A (NM_007318.3).
Identifiers: ClinVar variation 4887388 (VCV004887388.1).